The following is an entry in ClinVar:

ClinVar aggregate classification (germline): Uncertain significance (1 of 4 stars; one submission).

Conditions:
Chédiak-Higashi syndrome (CHS). Also called: Chediak-Higashi Syndrome. Identifiers: Orphanet 167, MedGen C0007965, MONDO:0008963, OMIM 214500.

Allele frequency attached by ClinVar (database versions not stated): gnomAD 0.00001; TOPMed 0.00002.
gnomAD v4.1: 1 of 1,613,766 alleles (0.000062%); highest among the groups gnomAD compares: African/African-American, 0.0013%; no homozygotes.

Submission:

Labcorp Genetics (formerly Invitae), Labcorp
Classification: Uncertain significance for Chédiak-Higashi syndrome. Last evaluated: 2025-06-29. Review status: criteria provided, single submitter. Criteria: Invitae Variant Classification Sherloc (09022015). Collection method: clinical testing. Allele origin: germline.
Comment: This sequence change replaces aspartic acid, which is acidic and polar, with asparagine, which is neutral and polar, at codon 3576 of the LYST protein (p.Asp3576Asn). This variant is not present in population databases (gnomAD no frequency). This variant has not been reported in the literature in individuals affected with LYST-related conditions. ClinVar contains an entry for this variant (Variation ID: 2093440). Invitae Evidence Modeling of protein sequence and biophysical properties (such as structural, functional, and spatial information, amino acid conservation, physicochemical variation, residue mobility, and thermodynamic stability) indicates that this missense variant is not expected to disrupt LYST protein function with a negative predictive value of 80%. In summary, the available evidence is currently insufficient to determine the role of this variant in disease. Therefore, it has been classified as a Variant of Uncertain Significance.

NM_000081.4(LYST):c.10726G>A (p.Asp3576Asn)

Gene: LYST (lysosomal trafficking regulator; minus strand). Cytogenetic location: 1q42.3.
Variant type: single nucleotide variant.
Coding change: c.10726G>A on transcript NM_000081.4 (MANE Select); coding-DNA position 10726, G replaced by A.
Protein change: p.Asp3576Asn; replaces aspartic acid 3576 with asparagine.
Molecular consequence: missense variant.
Genome position (GRCh38, 1-based): chr1:235,687,023, C>T on the plus strand (G>A on the coding strand, the complement: LYST is on the minus strand). VCF-style: chr1-235687023-C-T. GRCh37 (hg19) VCF-style: chr1-235850323-C-T.
Other names: c.10726G>A, p.Asp3576Asn (NM_001301365.1); short protein forms D3576N.
Identifiers: ClinVar variation 2093440 (VCV002093440.2), dbSNP rs949456149, ClinGen allele CA39580072.